The following is an entry in ClinVar:

NM_004855.5(PIGB):c.502C>T (p.Gln168Ter)

Gene: PIGB (phosphatidylinositol glycan anchor biosynthesis class B; plus strand). Cytogenetic location: 15q21.3.
Variant type: single nucleotide variant.
Coding change: c.502C>T on transcript NM_004855.5 (MANE Select); coding-DNA position 502, C replaced by T.
Protein change: p.Gln168Ter; replaces glutamine 168 with a stop codon.
Molecular consequence: nonsense.
Genome position (GRCh38, 1-based): chr15:55,327,615, C>T. VCF-style: chr15-55327615-C-T. GRCh37 (hg19) VCF-style: chr15-55619813-C-T.
Other names: short protein forms Q168*.
Identifiers: ClinVar variation 2874430 (VCV002874430.3), dbSNP rs750897569, ClinGen allele CA7573856.
Genomic context (GRCh38, chr15:55,327,615, plus strand): 5'-GCACTTCTGTCTGCTGTAGCAGATGTGAGACTTTACTCATTAATGAAGCAACTAGAAAAT[C>T]AGGAAGTGGCAAGATGGGTGGTAAGTCCTAAATACTTTAGAAGCTGTATGCCAGTTATTT-3'

ClinVar aggregate classification (germline): Pathogenic (1 of 4 stars; one submission).

Allele frequency attached by ClinVar (database versions not stated): gnomAD exomes below 0.00001; ExAC 0.00001; gnomAD 0.00002; TOPMed 0.00002.
gnomAD v4.1: 5 of 1,607,174 alleles (0.00031%); highest among the groups gnomAD compares: African/African-American, 0.0013%; no homozygotes.

Submission:

Labcorp Genetics (formerly Invitae), Labcorp
Classification: Pathogenic. Last evaluated: 2024-10-09. Review status: criteria provided, single submitter. Criteria: Invitae Variant Classification Sherloc (09022015). Collection method: clinical testing. Allele origin: germline.
Comment: This sequence change creates a premature translational stop signal (p.Gln168*) in the PIGB gene. It is expected to result in an absent or disrupted protein product. Loss-of-function variants in PIGB are known to be pathogenic (PMID: 31256876, 34400385). This variant is present in population databases (rs750897569, gnomAD 0.007%). This variant has not been reported in the literature in individuals affected with PIGB-related conditions. Algorithms developed to predict the effect of sequence changes on RNA splicing suggest that this variant may disrupt the consensus splice site. For these reasons, this variant has been classified as Pathogenic.

Literature cited by the submitters: PubMed 31256876; PubMed 34400385.